The following is an entry in ClinVar:

NM_004612.4(TGFBR1):c.718C>T (p.Arg240Cys)

Gene: TGFBR1 (transforming growth factor beta receptor 1; plus strand). Cytogenetic location: 9q22.33.
Variant type: single nucleotide variant.
Coding change: c.718C>T on transcript NM_004612.4 (MANE Select); coding-DNA position 718, C replaced by T.
Protein change: p.Arg240Cys; replaces arginine 240 with cysteine.
Molecular consequence: missense variant.
Genome position (GRCh38, 1-based): chr9:99,138,002, C>T. VCF-style: chr9-99138002-C-T. GRCh37 (hg19) VCF-style: chr9-101900284-C-T.
Other names: c.487C>T, p.Arg163Cys (NM_001130916.3); c.730C>T, p.Arg244Cys (NM_001306210.2); short protein forms R240C, R244C, R163C.
Identifiers: ClinVar variation 636544 (VCV000636544.9), dbSNP rs775429965, ClinGen allele CA042764.

ClinVar aggregate classification (germline): Uncertain significance. Review status: criteria provided, multiple submitters, no conflicts (2 of 4 stars). 3 submissions from 3 submitters: Uncertain significance (3). Last evaluated 2025-10-14.

Conditions:
Familial thoracic aortic aneurysm and aortic dissection (TAAD). Also called: Thoracic aortic aneurysms and dissections. Identifiers: Orphanet 91387, MedGen C4707243, MONDO:0019625.

Allele frequency attached by ClinVar (database versions not stated): gnomAD exomes below 0.00001; ExAC 0.00001; gnomAD 0.00001; TOPMed 0.00002.
gnomAD v4.1: 3 of 1,613,864 alleles (0.00019%); highest among the groups gnomAD compares: African/African-American, 0.0013%; no homozygotes.

Submissions (3):

Labcorp Genetics (formerly Invitae), Labcorp
Classification: Uncertain significance for Familial thoracic aortic aneurysm and aortic dissection. Last evaluated: 2025-10-14. Review status: criteria provided, single submitter. Criteria: Invitae Variant Classification Sherloc (09022015). Collection method: clinical testing. Allele origin: germline.
Comment: This sequence change replaces arginine, which is basic and polar, with cysteine, which is neutral and slightly polar, at codon 240 of the TGFBR1 protein (p.Arg240Cys). This variant is present in population databases (rs775429965, gnomAD 0.0009%). This missense change has been observed in individual(s) with aortic dissection (PMID: 37625564; internal data). ClinVar contains an entry for this variant (Variation ID: 636544). Invitae Evidence Modeling of protein sequence and biophysical properties (such as structural, functional, and spatial information, amino acid conservation, physicochemical variation, residue mobility, and thermodynamic stability) indicates that this missense variant is not expected to disrupt TGFBR1 protein function with a negative predictive value of 80%. In summary, the available evidence is currently insufficient to determine the role of this variant in disease. Therefore, it has been classified as a Variant of Uncertain Significance.

CHEO Genetics Diagnostic Laboratory, Children's Hospital of Eastern Ontario
Classification: Uncertain significance for Familial thoracic aortic aneurysm and aortic dissection. Last evaluated: 2023-01-11. Review status: criteria provided, single submitter. Criteria: ACMG Guidelines, 2015. Collection method: clinical testing. Allele origin: germline.

Blueprint Genetics
Classification: Uncertain significance. Last evaluated: 2022-02-23. Review status: criteria provided, single submitter. Criteria: ACMG Guidelines, 2015. Collection method: clinical testing. Allele origin: germline.

Literature cited by the submitters: PubMed 37625564 (cited by Labcorp Genetics (formerly Invitae), Labcorp).